The following is an entry in ClinVar:

NM_199420.4(POLQ):c.4597A>G (p.Ile1533Val)

Gene: POLQ (DNA polymerase theta; minus strand). Cytogenetic location: 3q13.33.
Variant type: single nucleotide variant.
Coding change: c.4597A>G on transcript NM_199420.4 (MANE Select); coding-DNA position 4597, A replaced by G.
Protein change: p.Ile1533Val; replaces isoleucine 1533 with valine.
Molecular consequence: missense variant.
Genome position (GRCh38, 1-based): chr3:121,488,334, T>C on the plus strand (A>G on the coding strand, the complement: POLQ is on the minus strand). VCF-style: chr3-121488334-T-C. GRCh37 (hg19) VCF-style: chr3-121207181-T-C.
Other names: short protein forms I1533V.
Identifiers: ClinVar variation 1741736 (VCV001741736.3), dbSNP rs1256552578, ClinGen allele CA354094580.

ClinVar aggregate classification (germline): Uncertain significance (1 of 4 stars; one submission).

gnomAD v4.1: 1 of 1,612,992 alleles (0.000062%); highest among the groups gnomAD compares: Non-Finnish European, 0.000085%; no homozygotes.

Submission:

Ambry Genetics
Classification: Uncertain significance. Last evaluated: 2024-11-14. Review status: criteria provided, single submitter. Criteria: Ambry Variant Classification Scheme 2023. Collection method: clinical testing. Allele origin: germline.
Comment: The p.I1533V variant (also known as c.4597A>G), located in coding exon 16 of the POLQ gene, results from an A to G substitution at nucleotide position 4597. The isoleucine at codon 1533 is replaced by valine, an amino acid with highly similar properties. This amino acid position is conserved. In addition, this alteration is predicted to be tolerated by in silico analysis. Since supporting evidence is limited at this time, the clinical significance of this alteration remains unclear.